The following is an entry in ClinVar:

NM_000235.4(LIPA):c.340G>T (p.Asp114Tyr)

Gene: LIPA (lipase A, lysosomal acid type; minus strand). Cytogenetic location: 10q23.31.
Variant type: single nucleotide variant.
Coding change: c.340G>T on transcript NM_000235.4 (MANE Select); coding-DNA position 340, G replaced by T.
Protein change: p.Asp114Tyr; replaces aspartic acid 114 with tyrosine.
Molecular consequence: missense variant. On other transcripts: 5 prime UTR variant (1).
Genome position (GRCh38, 1-based): chr10:89,228,288, C>A on the plus strand (G>T on the coding strand, the complement: LIPA is on the minus strand). VCF-style: chr10-89228288-C-A. GRCh37 (hg19) VCF-style: chr10-90988045-C-A.
Other names: c.340G>T, p.Asp114Tyr (NM_001127605.3, NM_001440818.1, NM_001440819.1 and 17 more transcripts); c.-9G>T (NM_001288979.2); c.355G>T, p.Asp119Tyr (NM_001440838.1); c.172G>T, p.Asp58Tyr (NM_001440839.1); c.472G>T, p.Asp158Tyr (NM_001440836.1); short protein forms D58Y, D114Y, D119Y, D158Y.
Identifiers: ClinVar variation 4763837 (VCV004763837.1).

ClinVar aggregate classification (germline): Likely pathogenic (1 of 4 stars; one submission).

Conditions:
Wolman disease (WOLD). Also called: Acid cholesteryl ester hydrolase deficiency, Wolman type; Acid lipase disease; Wolman disease, CESD; Infantile-Onset LAL-D (Wolman Disease); Wolman disease with hypolipoproteinemia and acanthocytosis; LYSOSOMAL ACID LIPASE DEFICIENCY, ACUTE INFANTILE. Identifiers: Orphanet 75233, MedGen C0043208, MONDO:0019148, OMIM 620151.

Submission:

Labcorp Genetics (formerly Invitae), Labcorp
Classification: Likely pathogenic for Wolman disease. Last evaluated: 2025-05-24. Review status: criteria provided, single submitter. Criteria: Invitae Variant Classification Sherloc (09022015). Collection method: clinical testing. Allele origin: germline.
Comment: This sequence change replaces aspartic acid, which is acidic and polar, with tyrosine, which is neutral and polar, at codon 114 of the LIPA protein (p.Asp114Tyr). This variant is not present in population databases (gnomAD no frequency). This missense change has been observed in individual(s) with autosomal recessive lysosomal acid lipase (LAL) deficiency (PMID: 33857477). Invitae Evidence Modeling of protein sequence and biophysical properties (such as structural, functional, and spatial information, amino acid conservation, physicochemical variation, residue mobility, and thermodynamic stability) indicates that this missense variant is expected to disrupt LIPA protein function with a positive predictive value of 95%. In summary, the currently available evidence indicates that the variant is pathogenic, but additional data are needed to prove that conclusively. Therefore, this variant has been classified as Likely Pathogenic.

Literature cited by the submitters: PubMed 33857477.